The following is an entry in ClinVar:

NM_004415.4(DSP):c.7570_7573del (p.Thr2524fs)

Gene: DSP (desmoplakin; plus strand). Cytogenetic location: 6p24.3.
Variant type: Deletion.
Coding change: c.7570_7573del on transcript NM_004415.4 (MANE Select); coding-DNA positions 7570 to 7573, 4 bases deleted (ACAG; older notation c.7570_7573delACAG).
Protein change: p.Thr2524fs; shifts the reading frame from threonine 2524.
Molecular consequence: frameshift variant.
Genome position (GRCh38, 1-based): chr6:7,584,832-7,584,835, ACAG deleted; deleting any 4 consecutive bases within chr6:7,584,830-7,584,835 gives the same sequence; the c. name uses the placement nearest the transcript's 3' end. VCF-style (leftmost placement, unchanged base first): chr6-7584829-AAGAC-A. GRCh37 (hg19) VCF-style: chr6-7585062-AAGAC-A.
Other names: c.5773_5776del, p.Thr1925fs (NM_001008844.3); c.6241_6244del, p.Thr2081fs (NM_001319034.2); c.7570_7573del (NM_004415.2, NM_004415.3); short protein forms T1925fs, T2524fs, T2081fs.
Identifiers: ClinVar variation 560379 (VCV000560379.16), dbSNP rs1561703922, ClinGen allele CA658821530.

ClinVar aggregate classification (germline): Pathogenic/Likely pathogenic. Review status: criteria provided, multiple submitters, no conflicts (2 of 4 stars). 7 submissions from 7 submitters: Pathogenic (4); Likely pathogenic (2). 1 of the submissions does not count toward it. Last evaluated 2026-10-23.

Conditions:
Arrhythmogenic cardiomyopathy with wooly hair and keratoderma. Also called: PALMOPLANTAR KERATODERMA WITH LEFT VENTRICULAR CARDIOMYOPATHY AND WOOLLY HAIR; Dilated cardiomyopathy with woolly hair and keratoderma; Carvajal syndrome; Arrhythmogenic cardiomyopathy with woolly hair and keratoderma. Identifiers: Orphanet 65282, MedGen C1854063, MONDO:0011581, OMIM 605676.
Arrhythmogenic right ventricular dysplasia 8 (ARVD8). Also called: ARRHYTHMOGENIC RIGHT VENTRICULAR DYSPLASIA, FAMILIAL, 8; ARRHYTHMOGENIC RIGHT VENTRICULAR CARDIOMYOPATHY 8; Arrhythmogenic Right Ventricular Dysplasia/Cardiomyopathy 8. Identifiers: MedGen C1843896, MONDO:0011831, OMIM 607450.
Cardiomyopathy (CMYO). Also called: Cardiomyopathies. Identifiers: Orphanet 167848, MedGen C0878544, MONDO:0004994, HP:0001638. Inheritance: Various modes of inheritance.
Cardiovascular phenotype. Identifiers: MedGen CN230736.
Primary dilated cardiomyopathy (DCM). Also called: Dilated Cardiomyopathy. Identifiers: Orphanet 217604, MedGen C0007193, MeSH D002311, MONDO:0005021, HP:0001644. Inheritance: Various modes of inheritance.

Submissions (7):

GeneDx
Classification: Pathogenic. Last evaluated: 2026-10-23. Review status: criteria provided, single submitter. Criteria: GeneDx Variant Classification Process June 2021. Collection method: clinical testing. Allele origin: germline.
Comment: Frameshift variant predicted to result in protein truncation or nonsense mediated decay in a gene for which loss of function is a known mechanism of disease; Not observed at significant frequency in large population cohorts (gnomAD); This variant is associated with the following publications: (PMID: 32659924, 36580316, 39486665)

Labcorp Genetics (formerly Invitae), Labcorp
Classification: Pathogenic for Arrhythmogenic cardiomyopathy with wooly hair and keratoderma; Arrhythmogenic right ventricular dysplasia 8. Last evaluated: 2026-01-31. Review status: criteria provided, single submitter. Criteria: Invitae Variant Classification Sherloc (09022015). Collection method: clinical testing. Allele origin: germline.
Comment: This sequence change creates a premature translational stop signal (p.Thr2524Alafs*36) in the DSP gene. While this is not anticipated to result in nonsense mediated decay, it is expected to disrupt the last 348 amino acid(s) of the DSP protein. This variant is not present in population databases (gnomAD no frequency). This variant has not been reported in the literature in individuals affected with DSP-related conditions. ClinVar contains an entry for this variant (Variation ID: 560379). This variant disrupts a region of the DSP protein in which other variant(s) (p.Glu2728Glyfs*11) have been determined to be pathogenic (internal data). This suggests that this is a clinically significant region of the protein, and that variants that disrupt it are likely to be disease-causing. For these reasons, this variant has been classified as Pathogenic.

Color Diagnostics, LLC DBA Color Health
Classification: Likely pathogenic for Cardiomyopathy. Last evaluated: 2025-06-23. Review status: criteria provided, single submitter. Criteria: ACMG Guidelines, 2015. Collection method: clinical testing. Allele origin: germline.
Comment: This variant deletes 4 nucleotides in exon 24 of the DSP gene, creating a frameshift and premature translation stop signal in the last coding exon. This variant is predicted to escape nonsense-mediated decay and be expressed as a truncated protein. Although functional studies have not been reported, this variant alters domain C (a.a. 2609-2822), the linker regions between these domains, as well as amino acids at the C-terminal extremity of the protein have been reported to be essential for coalignment and binding of intermediate filaments (PMID: 12101406, 12802069, 21756917) and is expected to disrupt DSP protein function. In addition, truncating variants occurring downstream of this variant are known to be disease-causing (ClinVar variation ID: 923199, 246676, 3075387). This variant has been reported in an individual affected with dilated cardiomyopathy (PMID: 32659924). This variant has not been identified in the general population by the Genome Aggregation Database (gnomAD). Loss of DSP function is a known mechanism of disease. Based on the available evidence, this variant is classified as Likely Pathogenic.

Institute of Human Genetics, University of Leipzig Medical Center
Classification: Likely pathogenic for Arrhythmogenic right ventricular dysplasia 8. Last evaluated: 2025-03-07. Review status: criteria provided, single submitter. Criteria: ACMG Guidelines, 2015. Collection method: clinical testing. Allele origin: unknown. Affected: yes.
Comment: Criteria applied: PVS1_STR, PM2_MOD, PS4_MOD

Ambry Genetics
Classification: Pathogenic for Cardiovascular phenotype. Last evaluated: 2024-01-26. Review status: criteria provided, single submitter. Criteria: Ambry Variant Classification Scheme 2023. Collection method: clinical testing. Allele origin: germline.
Comment: The c.7570_7573delACAG pathogenic mutation, located in coding exon 24 of the DSP gene, results from a deletion of 4 nucleotides at nucleotide positions 7570 to 7573, causing a translational frameshift with a predicted alternate stop codon (p.T2524Afs*36). This alteration occurs near the 3' terminus of theDSP gene, is not expected to trigger nonsense-mediated mRNA decay, and only impacts the last 12% of the protein. However, premature stop codons are typically deleterious in nature and the impacted region is critical for protein function (Ambry internal data). Alterations in DSP that result in haploinsufficiency or protein truncation have been reported in patients with arrhythmogenic right ventricular cardiomyopathy (ARVC) and dilated cardiomyopathy (DCM) (Fressart V et al. Europace. 2010;12(6):861-8; Elliott P et al. Circ Cardiovasc Genet. 2010;3(4):314-22; Quarta G et al. Circulation. 2011;123(23):2701-9; Garcia-Pavia P et al. Heart. 2011;97(21):1744-52; Rasmussen TB et al. Clin Genet. 2013;84(1):20-30; Pugh TJ et al. Genet Med. 2014;16(8):601-8). This mutation has been detected in an individual with DCM (Kolokotronis K et al. J Clin Med, 2020 Jul;9). This variant is considered to be rare based on population cohorts in the Genome Aggregation Database (gnomAD). Based on the supporting evidence, this alteration is interpreted as a disease-causing mutation.

Molecular Diagnostic Laboratory for Inherited Cardiovascular Disease, Montreal Heart Institute
Classification: Pathogenic for Cardiovascular phenotype. Last evaluated: 2021-12-02. Review status: criteria provided, single submitter. Criteria: ACMG Guidelines, 2015. Collection method: clinical testing. Allele origin: germline. Affected: yes.

Institute of Human Genetics, University of Wuerzburg
Classification: Likely pathogenic for Primary dilated cardiomyopathy. Review status: no assertion criteria provided. Collection method: clinical testing. Allele origin: unknown. Not counted in ClinVar's aggregate classification.

Literature cited by the submitters: PubMed 12101406 (cited by Color Diagnostics, LLC DBA Color Health); PubMed 12802069 (cited by Color Diagnostics, LLC DBA Color Health); PubMed 21756917 (cited by Color Diagnostics, LLC DBA Color Health); PubMed 32659924 (cited by Color Diagnostics, LLC DBA Color Health and Ambry Genetics).